The following is an entry in ClinVar:

ClinVar aggregate classification (germline): Likely benign. Review status: criteria provided, multiple submitters, no conflicts (2 of 4 stars). 2 submissions from 2 submitters: Likely benign (2). Last evaluated 2026-02-01.

Conditions:
Progressive myoclonic epilepsy. Also called: Familial progressive myoclonic epilepsy; Myoclonic Epilepsies, Progressive; Progressive myoclonus epilepsy; Myoclonus epilepsy. Identifiers: Orphanet 308, Orphanet 98261, MedGen C0751778, MONDO:0020074.

Submissions (2):

CeGaT Center for Human Genetics Tuebingen
Classification: Likely benign. Last evaluated: 2026-02-01. Review status: criteria provided, single submitter. Criteria: CeGaT Center For Human Genetics Tuebingen Variant Classification Criteria Version 2. Collection method: clinical testing. Allele origin: germline. Affected: yes. Observed: 1 variant allele.
Comment: EPM2A: BP4, BP7

Labcorp Genetics (formerly Invitae), Labcorp
Classification: Likely benign for Progressive myoclonic epilepsy. Last evaluated: 2025-03-06. Review status: criteria provided, single submitter. Criteria: Invitae Variant Classification Sherloc (09022015). Collection method: clinical testing. Allele origin: germline.

NM_005670.4(EPM2A):c.147C>T (p.Asp49=)

Genes: EPM2A (EPM2A glucan phosphatase, laforin; minus strand), EPM2A-DT (EPM2A divergent transcript; plus strand), LOC129997381 (ATAC-STARR-seq lymphoblastoid silent region 17642; plus strand). Cytogenetic location: 6q24.3.
Variant type: single nucleotide variant.
Coding change: c.147C>T on transcript NM_005670.4 (MANE Select); coding-DNA position 147, C replaced by T.
Protein change: p.Asp49=; no amino-acid change (aspartic acid 49 retained).
Molecular consequence: synonymous variant. On other transcripts: 5 prime UTR variant (3), intron variant (1).
Genome position (GRCh38, 1-based): chr6:145,735,352, G>A on the plus strand (C>T on the coding strand, the complement: EPM2A is on the minus strand). VCF-style: chr6-145735352-G-A. GRCh37 (hg19) VCF-style: chr6-146056488-G-A.
Other names: c.147C>T, p.Asp49= (NM_001018041.2, NM_001360057.2, NM_001368130.1); c.-523C>T (NM_001360071.2); c.-477C>T (NM_001368129.2); c.-221C>T (NM_001368131.1); c.-114+556C>T (NM_001360064.2).
Identifiers: ClinVar variation 4754531 (VCV004754531.5).